The following is an entry in ClinVar:

NM_006031.6(PCNT):c.1480C>T (p.Arg494Cys)

Gene: PCNT (pericentrin; plus strand). Cytogenetic location: 21q22.3.
Variant type: single nucleotide variant.
Coding change: c.1480C>T on transcript NM_006031.6 (MANE Select); coding-DNA position 1480, C replaced by T.
Protein change: p.Arg494Cys; replaces arginine 494 with cysteine.
Molecular consequence: missense variant.
Genome position (GRCh38, 1-based): chr21:46,353,127, C>T. VCF-style: chr21-46353127-C-T. GRCh37 (hg19) VCF-style: chr21-47773041-C-T.
Other names: c.1480C>T (NM_006031.5); c.1126C>T, p.Arg376Cys (NM_001315529.2); short protein forms R376C, R494C.
Identifiers: ClinVar variation 2977052 (VCV002977052.3), dbSNP rs775166006, ClinGen allele CA10078648.
Genomic context (GRCh38, chr21:46,353,127, plus strand): 5'-CATTTTAAGACGATTGCCTGACTCCGTTATGTTGCAGAGCTACATGAGCAACTCCTGGCG[C>T]GCACCTCTCGTGTGGAAGATTTAGAACAGCTGAAGCAGCGAGAAAAAACCCAGCATGAGT-3'
Protein context (NP_006022.3, residues 484-504): LSELHEQLLA[Arg494Cys]TSRVEDLEQL

ClinVar aggregate classification (germline): Uncertain significance. Review status: criteria provided, multiple submitters, no conflicts (2 of 4 stars). 3 submissions from 3 submitters: Uncertain significance (2). 1 of the submissions does not count toward it. Last evaluated 2025-11-24.

Conditions:
Inborn genetic diseases. Identifiers: MedGen C0950123, MeSH D030342.
PCNT-related disorder. Also called: PCNT-related condition.

Allele frequency attached by ClinVar (database versions not stated): TOPMed 0.00004; gnomAD exomes 0.00001; ExAC 0.00001; gnomAD 0.00003.
gnomAD v4.1: 23 of 1,613,788 alleles (0.0014%); highest among the groups gnomAD compares: East Asian, 0.0067%; no homozygotes.

Submissions (3):

Ambry Genetics
Classification: Uncertain significance for Inborn genetic diseases. Last evaluated: 2025-11-24. Review status: criteria provided, single submitter. Criteria: Ambry Variant Classification Scheme 2023. Collection method: clinical testing. Allele origin: germline.

Labcorp Genetics (formerly Invitae), Labcorp
Classification: Uncertain significance. Last evaluated: 2023-10-05. Review status: criteria provided, single submitter. Criteria: Invitae Variant Classification Sherloc (09022015). Collection method: clinical testing. Allele origin: germline.
Comment: This sequence change replaces arginine, which is basic and polar, with cysteine, which is neutral and slightly polar, at codon 494 of the PCNT protein (p.Arg494Cys). This variant is present in population databases (rs775166006, gnomAD 0.003%). This variant has not been reported in the literature in individuals affected with PCNT-related conditions. An algorithm developed to predict the effect of missense changes on protein structure and function (PolyPhen-2) suggests that this variant is likely to be disruptive. In summary, the available evidence is currently insufficient to determine the role of this variant in disease. Therefore, it has been classified as a Variant of Uncertain Significance.

PreventionGenetics, part of Exact Sciences
Classification: Uncertain significance for PCNT-related condition. Last evaluated: 2024-06-14. Review status: no assertion criteria provided. Collection method: clinical testing. Allele origin: germline. Not counted in ClinVar's aggregate classification.
Comment: The PCNT c.1480C>T variant is predicted to result in the amino acid substitution p.Arg494Cys. To our knowledge, this variant has not been reported in the literature. This variant is reported in 0.0033% of alleles in individuals of South Asian descent in gnomAD. At this time, the clinical significance of this variant is uncertain due to the absence of conclusive functional and genetic evidence.